The following is an entry in ClinVar:

ClinVar aggregate classification (germline): Uncertain significance. Review status: criteria provided, multiple submitters, no conflicts (2 of 4 stars). 2 submissions from 2 submitters: Uncertain significance (2). Last evaluated 2026-07-23.

Conditions:
Inborn genetic diseases. Identifiers: MedGen C0950123, MeSH D030342.
PCNT-related disorder. Also called: PCNT-related condition.

Allele frequency attached by ClinVar (database versions not stated): gnomAD 0.00004; TOPMed 0.00005.
gnomAD v4.1: 16 of 1,614,114 alleles (0.00099%); highest among the groups gnomAD compares: Admixed American, 0.015%; no homozygotes.

Submissions (2):

PreventionGenetics, part of Exact Sciences
Classification: Uncertain significance for PCNT-related condition. Last evaluated: 2026-07-23. Review status: criteria provided, single submitter. Criteria: ACMG Guidelines, 2015. Collection method: clinical testing. Allele origin: germline.
Comment: The PCNT c.3373G>A variant is predicted to result in the amino acid substitution p.Val1125Met. To our knowledge, this variant has not been reported in the literature. This variant is reported in 0.0029% of alleles in individuals of Latino descent in gnomAD. At this time, the clinical significance of this variant is uncertain due to the absence of conclusive functional and genetic evidence.

Ambry Genetics
Classification: Uncertain significance for Inborn genetic diseases. Last evaluated: 2023-02-27. Review status: criteria provided, single submitter. Criteria: Ambry Variant Classification Scheme 2023. Collection method: clinical testing. Allele origin: germline.

NM_006031.6(PCNT):c.3373G>A (p.Val1125Met)

Gene: PCNT (pericentrin; plus strand). Cytogenetic location: 21q22.3.
Variant type: single nucleotide variant.
Coding change: c.3373G>A on transcript NM_006031.6 (MANE Select); coding-DNA position 3373, G replaced by A.
Protein change: p.Val1125Met; replaces valine 1125 with methionine.
Molecular consequence: missense variant.
Genome position (GRCh38, 1-based): chr21:46,385,892, G>A. VCF-style: chr21-46385892-G-A. GRCh37 (hg19) VCF-style: chr21-47805807-G-A.
Other names: c.3019G>A, p.Val1007Met (NM_001315529.2); short protein forms V1125M, V1007M.
Identifiers: ClinVar variation 2489158 (VCV002489158.3), dbSNP rs1167717870, ClinGen allele CA410574339.